The following is an entry in ClinVar:

ClinVar aggregate classification (germline): Uncertain significance (1 of 4 stars; one submission).

Conditions:
Familial hypercholesterolemia. Also called: Familial hypercholesterolaemia; Familial hypercholesterolemias. Identifiers: MedGen C0020445, MONDO:0005439.

gnomAD v4.1: 3 of 1,613,956 alleles (0.00019%); highest among the groups gnomAD compares: Non-Finnish European, 0.00025%; no homozygotes.

Submission:

Cambridge Genomics Laboratory, East Genomic Laboratory Hub, NHS Genomic Medicine Service
Classification: Uncertain significance for Familial hypercholesterolaemia. Last evaluated: 2026-08-25. Review status: criteria provided, single submitter. Criteria: ACGS Best Practice Guidelines for Variant Classification in Rare Disease 2020. Collection method: clinical testing. Allele origin: germline. Affected: yes.
Comment: PM1,PM2_Supporting,PP4

NM_000384.3(APOB):c.13371T>A (p.Asp4457Glu)

Gene: APOB (apolipoprotein B; minus strand). Cytogenetic location: 2p24.1.
Variant type: single nucleotide variant.
Coding change: c.13371T>A on transcript NM_000384.3 (MANE Select); coding-DNA position 13371, T replaced by A.
Protein change: p.Asp4457Glu; replaces aspartic acid 4457 with glutamic acid.
Molecular consequence: missense variant.
Genome position (GRCh38, 1-based): chr2:21,002,051, A>T on the plus strand (T>A on the coding strand, the complement: APOB is on the minus strand). VCF-style: chr2-21002051-A-T. GRCh37 (hg19) VCF-style: chr2-21224923-A-T.
Other names: short protein forms D4457E.
Identifiers: ClinVar variation 4890882 (VCV004890882.1).